The following is an entry in ClinVar:

ClinVar aggregate classification (germline): Benign/Likely benign. Review status: criteria provided, multiple submitters, no conflicts (2 of 4 stars). 3 submissions from 3 submitters: Benign (1); Likely benign (1). 1 of the submissions does not count toward it. Last evaluated 2025-10-20.

Conditions:
ARID1A-related disorder. Also called: ARID1A-related condition.

Allele frequency attached by ClinVar (database versions not stated): gnomAD exomes 0.00001; gnomAD 0.00005; TOPMed 0.00006; 1000 Genomes Project 30x 0.00078.
gnomAD v4.1: 21 of 1,223,990 alleles (0.0017%); highest among the groups gnomAD compares: East Asian, 0.056%; no homozygotes.

Submissions (3):

Labcorp Genetics (formerly Invitae), Labcorp
Classification: Benign. Last evaluated: 2025-10-20. Review status: criteria provided, single submitter. Criteria: Invitae Variant Classification Sherloc (09022015). Collection method: clinical testing. Allele origin: germline.

Blueprint Genetics
Classification: Likely benign. Last evaluated: 2023-10-02. Review status: criteria provided, single submitter. Criteria: ACMG Guidelines, 2015. Collection method: clinical testing. Allele origin: germline.

PreventionGenetics, part of Exact Sciences
Classification: Likely benign for ARID1A-related condition. Last evaluated: 2022-04-05. Review status: no assertion criteria provided. Collection method: clinical testing. Allele origin: germline. Not counted in ClinVar's aggregate classification.
Comment: This variant is classified as likely benign based on ACMG/AMP sequence variant interpretation guidelines (Richards et al. 2015 PMID: 25741868, with internal and published modifications).

NM_006015.6(ARID1A):c.148A>G (p.Met50Val)

Gene: ARID1A (AT-rich interaction domain 1A; plus strand). Cytogenetic location: 1p36.11.
Variant type: single nucleotide variant.
Coding change: c.148A>G on transcript NM_006015.6 (MANE Select); coding-DNA position 148, A replaced by G.
Protein change: p.Met50Val; replaces methionine 50 with valine.
Molecular consequence: missense variant.
Genome position (GRCh38, 1-based): chr1:26,696,551, A>G. VCF-style: chr1-26696551-A-G. GRCh37 (hg19) VCF-style: chr1-27023042-A-G.
Other names: c.148A>G, p.Met50Val (NM_139135.4); short protein forms M50V.
Identifiers: ClinVar variation 2189450 (VCV002189450.7), dbSNP rs1216784088, ClinGen allele CA339264497.